The following is an entry in ClinVar:

NM_004526.4(MCM2):c.1130G>A (p.Arg377Gln)

Gene: MCM2 (minichromosome maintenance complex component 2; plus strand). Cytogenetic location: 3q21.3.
Variant type: single nucleotide variant.
Coding change: c.1130G>A on transcript NM_004526.4 (MANE Select); coding-DNA position 1130, G replaced by A.
Protein change: p.Arg377Gln; replaces arginine 377 with glutamine.
Molecular consequence: missense variant. On other transcripts: non-coding transcript variant (1).
Genome position (GRCh38, 1-based): chr3:127,608,410, G>A. VCF-style: chr3-127608410-G-A. GRCh37 (hg19) VCF-style: chr3-127327253-G-A.
Other names: short protein forms R377Q.
Identifiers: ClinVar variation 2215283 (VCV002215283.3), dbSNP rs774383866, ClinGen allele CA2595802.

ClinVar aggregate classification (germline): Uncertain significance. Review status: criteria provided, multiple submitters, no conflicts (2 of 4 stars). 2 submissions from 2 submitters: Uncertain significance (2). Last evaluated 2025-02-26.

Allele frequency attached by ClinVar (database versions not stated): gnomAD exomes 0.00001; ExAC 0.00002; gnomAD 0.00002; TOPMed 0.00002.
gnomAD v4.1: 19 of 1,614,228 alleles (0.0012%); highest among the groups gnomAD compares: East Asian, 0.0045%; no homozygotes.

Submissions (2):

Labcorp Genetics (formerly Invitae), Labcorp
Classification: Uncertain significance. Last evaluated: 2025-02-26. Review status: criteria provided, single submitter. Criteria: Invitae Variant Classification Sherloc (09022015). Collection method: clinical testing. Allele origin: germline.
Comment: This sequence change replaces arginine, which is basic and polar, with glutamine, which is neutral and polar, at codon 377 of the MCM2 protein (p.Arg377Gln). This variant is present in population databases (rs774383866, gnomAD 0.007%). This variant has not been reported in the literature in individuals affected with MCM2-related conditions. ClinVar contains an entry for this variant (Variation ID: 2215283). Invitae Evidence Modeling of protein sequence and biophysical properties (such as structural, functional, and spatial information, amino acid conservation, physicochemical variation, residue mobility, and thermodynamic stability) indicates that this missense variant is not expected to disrupt MCM2 protein function with a negative predictive value of 80%. In summary, the available evidence is currently insufficient to determine the role of this variant in disease. Therefore, it has been classified as a Variant of Uncertain Significance.

Ambry Genetics
Classification: Uncertain significance. Last evaluated: 2021-06-18. Review status: criteria provided, single submitter. Criteria: Ambry Variant Classification Scheme 2023. Collection method: clinical testing. Allele origin: germline.